The following is an entry in ClinVar:

ClinVar aggregate classification (germline): Uncertain significance (1 of 4 stars; one submission).

Submission:

Quest Diagnostics Nichols Institute San Juan Capistrano
Classification: Uncertain significance. Last evaluated: 2024-11-11. Review status: criteria provided, single submitter. Criteria: Quest Diagnostics criteria. Collection method: clinical testing. Allele origin: unknown.
Comment: The VWF c.4941C>G (p.Ala1647=) synonymous variant has not been reported in individuals with VWF-related conditions in the published literature. It also has not been reported in large, multi-ethnic general populations (Genome Aggregation Database). Analysis of this variant using software algorithms for the prediction of the effect of nucleotide changes on splicing yielded predictions that this variant does not affect VWF mRNA splicing. Based on the available information, we are unable to determine the clinical significance of this variant.

NM_000552.5(VWF):c.4941C>G (p.Ala1647=)

Gene: VWF (von Willebrand factor; minus strand). Cytogenetic location: 12p13.31.
Variant type: single nucleotide variant.
Coding change: c.4941C>G on transcript NM_000552.5 (MANE Select); coding-DNA position 4941, C replaced by G.
Protein change: p.Ala1647=; no amino-acid change (alanine 1647 retained).
Molecular consequence: synonymous variant.
Genome position (GRCh38, 1-based): chr12:6,018,477, G>C on the plus strand (C>G on the coding strand, the complement: VWF is on the minus strand). VCF-style: chr12-6018477-G-C. GRCh37 (hg19) VCF-style: chr12-6127643-G-C.
Identifiers: ClinVar variation 3572171 (VCV003572171.1).